The following is an entry in ClinVar:

ClinVar aggregate classification (germline): Uncertain significance (1 of 4 stars; one submission).

gnomAD v4.1: 7 of 1,613,330 alleles (0.00043%); highest among the groups gnomAD compares: Non-Finnish European, 0.00059%; no homozygotes.

Submission:

GeneDx
Classification: Uncertain significance. Last evaluated: 2019-08-26. Review status: criteria provided, single submitter. Criteria: GeneDx Variant Classification Process June 2021. Collection method: clinical testing. Allele origin: germline. Affected: yes.
Comment: Not observed in large population cohorts (Lek et al., 2016); Missense variants in this gene are often considered pathogenic (Stenson et al., 2014); In silico analysis, which includes protein predictors and evolutionary conservation, supports that this variant does not alter protein structure/function; Has not been previously published as pathogenic or benign to our knowledge

NM_003384.3(VRK1):c.1024A>T (p.Ser342Cys)

Gene: VRK1 (VRK serine/threonine kinase 1; plus strand). Cytogenetic location: 14q32.2.
Variant type: single nucleotide variant.
Coding change: c.1024A>T on transcript NM_003384.3 (MANE Select); coding-DNA position 1024, A replaced by T.
Protein change: p.Ser342Cys; replaces serine 342 with cysteine.
Molecular consequence: missense variant.
Genome position (GRCh38, 1-based): chr14:96,860,691, A>T. VCF-style: chr14-96860691-A-T. GRCh37 (hg19) VCF-style: chr14-97327028-A-T.
Other names: short protein forms S342C.
Identifiers: ClinVar variation 1308006 (VCV001308006.2), dbSNP rs2139815041, ClinGen allele CA390932233.